The following is an entry in ClinVar:

NM_032608.7(MYO18B):c.6454C>T (p.Arg2152Cys)

Gene: MYO18B (myosin XVIIIB; plus strand). Cytogenetic location: 22q12.1.
Variant type: single nucleotide variant.
Coding change: c.6454C>T on transcript NM_032608.7 (MANE Select); coding-DNA position 6454, C replaced by T.
Protein change: p.Arg2152Cys; replaces arginine 2152 with cysteine.
Molecular consequence: missense variant.
Genome position (GRCh38, 1-based): chr22:26,004,839, C>T. VCF-style: chr22-26004839-C-T. GRCh37 (hg19) VCF-style: chr22-26400805-C-T.
Other names: c.6457C>T, p.Arg2153Cys (NM_001318245.2); c.6454C>T (NM_032608.5); short protein forms R2152C, R2153C.
Identifiers: ClinVar variation 1373357 (VCV001373357.6), dbSNP rs777917038, ClinGen allele CA10161522.

ClinVar aggregate classification (germline): Conflicting classifications of pathogenicity. Review status: criteria provided, conflicting classifications (1 of 4 stars). 3 submissions from 3 submitters: Uncertain significance (2); Likely benign (1). Last evaluated 2024-08-07.

Conditions:
Inborn genetic diseases. Identifiers: MedGen C0950123, MeSH D030342.

Allele frequency attached by ClinVar (database versions not stated): TOPMed 0.00001; gnomAD exomes 0.00002 and 0.00005; gnomAD 0.00003; ExAC 0.00005.
gnomAD v4.1: 35 of 1,613,490 alleles (0.0022%); highest among the groups gnomAD compares: Admixed American, 0.01%; no homozygotes.

Submissions (3):

Blueprint Genetics
Classification: Likely benign. Last evaluated: 2024-08-07. Review status: criteria provided, single submitter. Criteria: ACMG Guidelines, 2015. Collection method: clinical testing. Allele origin: germline.

Labcorp Genetics (formerly Invitae), Labcorp
Classification: Uncertain significance. Last evaluated: 2022-09-13. Review status: criteria provided, single submitter. Criteria: Invitae Variant Classification Sherloc (09022015). Collection method: clinical testing. Allele origin: germline.
Comment: Algorithms developed to predict the effect of missense changes on protein structure and function output the following: SIFT: "Not Available"; PolyPhen-2: "Benign"; Align-GVGD: "Not Available". The cysteine amino acid residue is found in multiple mammalian species, which suggests that this missense change does not adversely affect protein function. In summary, the available evidence is currently insufficient to determine the role of this variant in disease. Therefore, it has been classified as a Variant of Uncertain Significance. ClinVar contains an entry for this variant (Variation ID: 1373357). This variant has not been reported in the literature in individuals affected with MYO18B-related conditions. This variant is present in population databases (rs777917038, gnomAD 0.01%). This sequence change replaces arginine with cysteine at codon 2152 of the MYO18B protein (p.Arg2152Cys). The arginine residue is weakly conserved and there is a large physicochemical difference between arginine and cysteine.

Ambry Genetics
Classification: Uncertain significance for Inborn genetic diseases. Last evaluated: 2021-07-13. Review status: criteria provided, single submitter. Criteria: Ambry Variant Classification Scheme 2023. Collection method: clinical testing. Allele origin: germline.